The following is an entry in ClinVar:

NM_001042492.3(NF1):c.5787G>C (p.Glu1929Asp)

Gene: NF1 (neurofibromin 1; plus strand). Cytogenetic location: 17q11.2.
Variant type: single nucleotide variant.
Coding change: c.5787G>C on transcript NM_001042492.3 (MANE Select); coding-DNA position 5787, G replaced by C.
Protein change: p.Glu1929Asp; replaces glutamic acid 1929 with aspartic acid.
Molecular consequence: missense variant.
Genome position (GRCh38, 1-based): chr17:31,330,473, G>C. VCF-style: chr17-31330473-G-C. GRCh37 (hg19) VCF-style: chr17-29657491-G-C.
Other names: c.5724G>C, p.Glu1908Asp (NM_000267.4); short protein forms E1908D, E1929D.
Identifiers: ClinVar variation 185958 (VCV000185958.13), dbSNP rs786202591, ClinGen allele CA193494.
Genomic context (GRCh38, chr17:31,330,473, plus strand): 5'-CTCTATTAGTAAGACACTGGCAGCCAATGAGCCACACCTCACGTTAGAATTTTTGGAAGA[G>C]TGTATTTCTGGATTTAGCAAATCTAGTAAGTAATGATAATTTTCTTTAATACTAACAATT-3'
Protein context (NP_001035957.1, residues 1919-1939): EPHLTLEFLE[Glu1929Asp]CISGFSKSSI

ClinVar aggregate classification (germline): Conflicting classifications of pathogenicity. Review status: criteria provided, conflicting classifications (1 of 4 stars). 5 submissions from 5 submitters: Likely pathogenic (1); Uncertain significance (4). Last evaluated 2025-02-05.

Conditions:
Hereditary cancer-predisposing syndrome. Also called: Hereditary Cancer Syndrome; Neoplastic Syndromes, Hereditary; Tumor predisposition; Hereditary neoplastic syndrome. Identifiers: Orphanet 140162, MedGen C0027672, MeSH D009386, MONDO:0015356.
Neurofibromatosis, type 1 (NF1). Also called: NEUROFIBROMATOSIS, TYPE I, SOMATIC; VON RECKLINGHAUSEN DISEASE; Peripheral type neurofibromatosis; Neurofibromatosis, type I. Identifiers: Orphanet 636, MedGen C0027831, MONDO:0018975, OMIM 162200. Disease mechanism: loss of function.

Submissions (5):

Victorian Clinical Genetics Services, Murdoch Childrens Research Institute
Classification: Likely pathogenic for Neurofibromatosis, type 1. Last evaluated: 2025-02-05. Review status: criteria provided, single submitter. Criteria: ACMG Guidelines, 2015. Collection method: clinical testing. Allele origin: germline. Affected: yes.
Comment: This variant is classified as Likely pathogenic. Evidence in support of pathogenic classification: Variant is absent from gnomAD (v2, v3 and v4); This variant has limited previous evidence of pathogenicity in unrelated individuals. This variant has four VUS reports, and an alternate nucleotide change resulting in the same amino acid substitution has four VUS reports and one de novo likely pathogenic report (ClinVar); Missense variant consistently predicted to be damaging by multiple in silico tools or highly conserved with a major amino acid change; Additional information: Variant is predicted to result in a missense amino acid change from glutamic acid to aspartic acid; This variant is heterozygous; This gene is associated with autosomal dominant disease; No published segregation evidence has been identified for this variant; No published functional evidence has been identified for this variant; Other missense variants comparable to the one identified in this case have inconclusive previous evidence for pathogenicity. Three alternate missense variants at the same amino acid position have VUS reports (ClinVar); Variant is not located in an established domain, motif, hotspot or informative constraint region; Loss of function is a known mechanism of disease in this gene and is associated juvenile myelomonocytic leukemia (MIM#607785), familial spinal neurofibromatosis (MIM#162210), neurofibromatosis, type 1 (MIM#162200), neurofibromatosis-Noonan syndrome (MIM#601321) and Watson syndrome (MIM#193520); Variants in this gene are known to have variable expressivity. Disease manifestation can be extremely variable, even within a family (PMID: 20301288).

Labcorp Genetics (formerly Invitae), Labcorp
Classification: Uncertain significance for Neurofibromatosis, type 1. Last evaluated: 2023-06-22. Review status: criteria provided, single submitter. Criteria: Invitae Variant Classification Sherloc (09022015). Collection method: clinical testing. Allele origin: germline.
Comment: This sequence change replaces glutamic acid, which is acidic and polar, with aspartic acid, which is acidic and polar, at codon 1908 of the NF1 protein (p.Glu1908Asp). This variant is not present in population databases (gnomAD no frequency). In summary, the available evidence is currently insufficient to determine the role of this variant in disease. Therefore, it has been classified as a Variant of Uncertain Significance. Advanced modeling of protein sequence and biophysical properties (such as structural, functional, and spatial information, amino acid conservation, physicochemical variation, residue mobility, and thermodynamic stability) performed at Invitae indicates that this missense variant is expected to disrupt NF1 protein function. ClinVar contains an entry for this variant (Variation ID: 185958). This variant has not been reported in the literature in individuals affected with NF1-related conditions.

GeneDx
Classification: Uncertain significance. Last evaluated: 2023-03-30. Review status: criteria provided, single submitter. Criteria: GeneDx Variant Classification Process June 2021. Collection method: clinical testing. Allele origin: germline. Affected: yes.
Comment: Not observed at significant frequency in large population cohorts (gnomAD); In silico analysis supports that this missense variant has a deleterious effect on protein structure/function; Has not been previously published as pathogenic or benign to our knowledge

Genome-Nilou Lab
Classification: Uncertain significance for Neurofibromatosis, type 1. Last evaluated: 2022-03-15. Review status: criteria provided, single submitter. Criteria: ACMG Guidelines, 2015. Collection method: clinical testing. Allele origin: germline. Affected: no.

Ambry Genetics
Classification: Uncertain significance for Hereditary cancer-predisposing syndrome. Last evaluated: 2014-08-21. Review status: criteria provided, single submitter. Criteria: Ambry Autosomal Dominant and X-Linked criteria (10/2015). Collection method: clinical testing. Allele origin: germline. Observed: 1 variant allele.
Comment: The p.E1929D variant (also known as c.5787G>C), located in coding exon 39 of the NF1 gene, results from a G to C substitution at nucleotide position 5787. The glutamic acid at codon 1929 is replaced by aspartic acid, an amino acid with highly similar properties. This variant was not reported in population based cohorts in the following databases: Database of Single Nucleotide Polymorphisms (dbSNP), NHLBI Exome Sequencing Project (ESP), and 1000 Genomes Project. In the ESP, this variant was not observed in 6503 samples (13006 alleles) with coverage at this position. To date, this alteration has been detected with an allele frequency of approximately 0.01% (greater than 11000 alleles tested) in our clinical cohort. This amino acid position is highly conserved in available vertebrate species. In addition, this alteration is predicted to be possibly damaging and deleterious by PolyPhen and SIFT in silico analyses, respectively. Since supporting evidence is limited at this time, the clinical significance of p.E1929D remains unclear.

Literature cited by the submitters: PubMed 20301288 (cited by Victorian Clinical Genetics Services, Murdoch Childrens Research Institute).